The following is an entry in ClinVar:

NM_000368.5(TSC1):c.1811A>G (p.Tyr604Cys)

Gene: TSC1 (TSC complex subunit 1; minus strand). Cytogenetic location: 9q34.13.
Variant type: single nucleotide variant.
Coding change: c.1811A>G on transcript NM_000368.5 (MANE Select); coding-DNA position 1811, A replaced by G.
Protein change: p.Tyr604Cys; replaces tyrosine 604 with cysteine.
Molecular consequence: missense variant.
Genome position (GRCh38, 1-based): chr9:132,905,767, T>C on the plus strand (A>G on the coding strand, the complement: TSC1 is on the minus strand). VCF-style: chr9-132905767-T-C. GRCh37 (hg19) VCF-style: chr9-135781154-T-C.
Other names: c.1808A>G, p.Tyr603Cys (NM_001162426.2); c.1658A>G, p.Tyr553Cys (NM_001162427.2); c.1448A>G, p.Tyr483Cys (NM_001362177.2); short protein forms Y604C, Y603C, Y483C, Y553C.
Identifiers: ClinVar variation 387536 (VCV000387536.21), dbSNP rs1057522817, ClinGen allele CA16605641.

ClinVar aggregate classification (germline): Conflicting classifications of pathogenicity. Review status: criteria provided, conflicting classifications (1 of 4 stars). 7 submissions from 7 submitters: Uncertain significance (6); Benign (1). Last evaluated 2026-06-02.

Conditions:
Hereditary cancer-predisposing syndrome. Also called: Hereditary Cancer Syndrome; Tumor predisposition; Hereditary neoplastic syndrome; Neoplastic Syndromes, Hereditary. Identifiers: Orphanet 140162, MedGen C0027672, MeSH D009386, MONDO:0015356.
Lymphangiomyomatosis (LAM). Also called: Lymphangioleiomyomatosis, somatic; Lymphangioleiomyomatosis. Identifiers: Orphanet 538, MedGen C0751674, MONDO:0011705, OMIM 606690.
Tuberous sclerosis 1 (TSC1). Identifiers: Orphanet 805, MedGen C1854465, MONDO:0008612, OMIM 191100.
Isolated focal cortical dysplasia type II (FCORD2). Also called: Focal cortical dysplasia type II; CORTICAL DYSPLASIA OF TAYLOR. Identifiers: Orphanet 268994, MedGen C1846385, MONDO:0011818, OMIM 607341, HP:0032051.
Tuberous sclerosis syndrome (TSC). Also called: Tuberous Sclerosis Complex; Tuberous sclerosis. Identifiers: Orphanet 805, MedGen C0041341, MONDO:0001734.

Allele frequency attached by ClinVar (database versions not stated): gnomAD exomes below 0.00001; gnomAD 0.00001.
gnomAD v4.1: 4 of 1,614,068 alleles (0.00025%); highest among the groups gnomAD compares: Non-Finnish European, 0.00025%; no homozygotes.

Submissions (7):

Ambry Genetics
Classification: Uncertain significance for Hereditary cancer-predisposing syndrome. Last evaluated: 2026-06-02. Review status: criteria provided, single submitter. Criteria: Ambry Variant Classification Scheme 2023. Collection method: clinical testing. Allele origin: germline.
Comment: The p.Y604C variant (also known as c.1811A>G), located in coding exon 13 of the TSC1 gene, results from an A to G substitution at nucleotide position 1811. The tyrosine at codon 604 is replaced by cysteine, an amino acid with highly dissimilar properties. This variant was detected as heterozygous in individual(s) with no reported features of tuberous sclerosis complex (Ambry internal data). This amino acid position is highly conserved in available vertebrate species. In addition, this alteration is predicted to be deleterious by in silico analysis. Based on the available evidence, the clinical significance of this variant remains unclear.

Labcorp Genetics (formerly Invitae), Labcorp
Classification: Benign for Tuberous sclerosis 1. Last evaluated: 2025-10-02. Review status: criteria provided, single submitter. Criteria: Invitae Variant Classification Sherloc (09022015). Collection method: clinical testing. Allele origin: germline.

All of Us Research Program, National Institutes of Health
Classification: Uncertain significance for Tuberous sclerosis syndrome. Last evaluated: 2024-04-10. Review status: criteria provided, single submitter. Criteria: ACMG Guidelines, 2015. Collection method: clinical testing. Allele origin: germline. Inheritance: Autosomal dominant inheritance. Observed: 2 variant alleles, 2 heterozygotes.
Comment: This missense variant replaces tyrosine with cysteine at codon 604 of the TSC1 protein. Computational prediction suggests that this variant may have deleterious impact on protein structure and function (internally defined REVEL score threshold >= 0.7, PMID: 27666373). To our knowledge, functional studies have not been reported for this variant. This variant has not been reported in individuals affected with TSC1-related disorders in the literature. This variant has been identified in 1/31392 chromosomes in the general population by the Genome Aggregation Database (gnomAD). The available evidence is insufficient to determine the role of this variant in disease conclusively. Therefore, this variant is classified as a Variant of Uncertain Significance.

This study involves interpretation of variants in research participants for the purpose of population health screening. Participant phenotype was not available at the time of variant classification. Additional details can be found in publication PMID: 35346344, PMCID: PMC8962531

Baylor Genetics
Classification: Uncertain significance for Isolated focal cortical dysplasia type II. Last evaluated: 2024-03-20. Review status: criteria provided, single submitter. Criteria: ACMG Guidelines, 2015. Collection method: clinical testing. Allele origin: unknown.

Fulgent Genetics
Classification: Uncertain significance for Tuberous sclerosis 1; Lymphangiomyomatosis; Isolated focal cortical dysplasia type II. Last evaluated: 2021-12-16. Review status: criteria provided, single submitter. Criteria: ACMG Guidelines, 2015. Collection method: clinical testing. Allele origin: unknown.

Genome-Nilou Lab
Classification: Uncertain significance for Tuberous sclerosis 1. Last evaluated: 2021-11-07. Review status: criteria provided, single submitter. Criteria: ACMG Guidelines, 2015. Collection method: clinical testing. Allele origin: germline. Affected: no.

GeneDx
Classification: Uncertain significance. Last evaluated: 2016-07-14. Review status: criteria provided, single submitter. Criteria: GeneDx Variant Classification (06012015). Collection method: clinical testing. Allele origin: germline. Affected: yes.
Comment: A variant of uncertain significance has been identified in the TSC1 gene. The Y604C variant has not been publishedas a pathogenic variant, nor has it been reported as a benign variant to our knowledge. It was not observed inapproximately 6,500 individuals of European and African American ancestry in the NHLBI Exome SequencingProject, indicating it is not a common benign variant in these populations. The Y604C variant is a non-conservativeamino acid substitution, which is likely to impact secondary protein structure as these residues differ in polarity,charge, size and/or other properties. This substitution occurs at a position that is conserved across species, and insilico analysis predicts this variant is probably damaging to the protein structure/function. However, the vast majorityof TSC1 pathogenic variants result in protein truncation, while missense variants have been reported only rarely(Northrup et al., 2011; Au et al., 2007). Therefore, based on the currently available information, it is unclear whetherthis variant is a pathogenic variant or a rare benign variant.